The following is an entry in ClinVar:

NM_016417.3(GLRX5):c.132G>C (p.Gln44His)

Gene: GLRX5 (glutaredoxin 5; plus strand). Cytogenetic location: 14q32.13.
Variant type: single nucleotide variant.
Coding change: c.132G>C on transcript NM_016417.3 (MANE Select); coding-DNA position 132, G replaced by C.
Protein change: p.Gln44His; replaces glutamine 44 with histidine.
Molecular consequence: missense variant.
Genome position (GRCh38, 1-based): chr14:95,535,221, G>C. VCF-style: chr14-95535221-G-C. GRCh37 (hg19) VCF-style: chr14-96001558-G-C.
Other names: short protein forms Q44H.
Identifiers: ClinVar variation 4264331 (VCV004264331.2).

ClinVar aggregate classification (germline): Uncertain significance. Review status: criteria provided, multiple submitters, no conflicts (2 of 4 stars). 2 submissions from 2 submitters: Uncertain significance (2). Last evaluated 2026-01-25.

gnomAD v4.1: 15 of 1,550,262 alleles (0.00097%); highest among the groups gnomAD compares: African/African-American, 0.014%; no homozygotes.

Submissions (2):

GeneDx
Classification: Uncertain significance. Last evaluated: 2026-01-25. Review status: criteria provided, single submitter. Criteria: GeneDx Variant Classification Process June 2021. Collection method: clinical testing. Allele origin: germline.
Comment: Not observed at significant frequency in large population cohorts (gnomAD); In silico analysis suggests that this missense variant does not alter protein structure/function; Has not been previously published as pathogenic or benign to our knowledge

Ambry Genetics
Classification: Uncertain significance. Last evaluated: 2025-08-14. Review status: criteria provided, single submitter. Criteria: Ambry Variant Classification Scheme 2023. Collection method: clinical testing. Allele origin: germline.